The following is an entry in ClinVar:

NM_032444.4(SLX4):c.950+3G>C

Gene: SLX4 (SLX4 structure-specific endonuclease subunit; minus strand). Cytogenetic location: 16p13.3.
Variant type: single nucleotide variant.
Coding change: c.950+3G>C on transcript NM_032444.4 (MANE Select); 3 bases into the intron after coding-DNA position 950, G replaced by C.
Molecular consequence: intron variant.
Genome position (GRCh38, 1-based): chr16:3,602,115, C>G on the plus strand (G>C on the coding strand, the complement: SLX4 is on the minus strand). VCF-style: chr16-3602115-C-G. GRCh37 (hg19) VCF-style: chr16-3652116-C-G.
Identifiers: ClinVar variation 2979979 (VCV002979979.3), dbSNP rs748822509, ClinGen allele CA2575892878.

ClinVar aggregate classification (germline): Uncertain significance (1 of 4 stars; one submission).

Conditions:
Fanconi anemia (FA). Also called: Fanconi's anemia. Identifiers: Orphanet 84, MedGen C0015625, MeSH D005199, MONDO:0019391.

Submission:

Labcorp Genetics (formerly Invitae), Labcorp
Classification: Uncertain significance for Fanconi anemia. Last evaluated: 2024-04-10. Review status: criteria provided, single submitter. Criteria: Invitae Variant Classification Sherloc (09022015). Collection method: clinical testing. Allele origin: germline.
Comment: This sequence change falls in intron 4 of the SLX4 gene. It does not directly change the encoded amino acid sequence of the SLX4 protein. It affects a nucleotide within the consensus splice site. This variant is not present in population databases (gnomAD no frequency). This variant has not been reported in the literature in individuals affected with SLX4-related conditions. Variants that disrupt the consensus splice site are a relatively common cause of aberrant splicing (PMID: 17576681, 9536098). Algorithms developed to predict the effect of sequence changes on RNA splicing suggest that this variant may disrupt the consensus splice site. In summary, the available evidence is currently insufficient to determine the role of this variant in disease. Therefore, it has been classified as a Variant of Uncertain Significance.

Literature cited by the submitters: PubMed 17576681; PubMed 9536098.